The following is an entry in ClinVar:

ClinVar aggregate classification (germline): Uncertain significance (1 of 4 stars; one submission).

Conditions:
Neurodevelopmental disorder with or without anomalies of the brain, eye, or heart (NEDBEH). Identifiers: Orphanet 494344, MedGen C5567477, MONDO:0014857, OMIM 616975.

Submission:

OLLIN Analises Genomicas, OLLIN
Classification: Uncertain significance for Neurodevelopmental disorder with or without anomalies of the brain, eye, or heart. Last evaluated: 2026-08-06. Review status: criteria provided, single submitter. Criteria: ACMG Guidelines 2015 PMID 25741868. Collection method: clinical testing. Allele origin: germline. Inheritance: Autosomal dominant inheritance.
Comment: This missense variant, located in exon 18 (of 23), is absent from gnomAD and ClinVar and has not been identified in the literature. In silico analysis predicts that this variant has a tolerated effect. According to the currently available evidence, this variant has been classified as uncertain significance (PM2_P, BP4_M).

NM_001042681.2(RERE):c.2309C>A (p.Ala770Asp)

Gene: RERE (arginine-glutamic acid dipeptide repeats; minus strand). Cytogenetic location: 1p36.23.
Variant type: single nucleotide variant.
Coding change: c.2309C>A on transcript NM_001042681.2 (MANE Select); coding-DNA position 2309, C replaced by A.
Protein change: p.Ala770Asp; replaces alanine 770 with aspartic acid.
Molecular consequence: missense variant.
Genome position (GRCh38, 1-based): chr1:8,361,198, G>T on the plus strand (C>A on the coding strand, the complement: RERE is on the minus strand). VCF-style: chr1-8361198-G-T. GRCh37 (hg19) VCF-style: chr1-8421258-G-T.
Other names: c.647C>A, p.Ala216Asp (NM_001042682.2); c.2309C>A, p.Ala770Asp (NM_012102.4); short protein forms A770D, A216D.
Identifiers: ClinVar variation 5002754 (VCV005002754.1).
Genomic context (GRCh38, chr1:8,361,198, plus strand): 5'-GCCTGTGGCTGGTTAGGGGCCTGGGAGGCCGTGGGGGAGCCCTGTGGGGGAACTGCAGTG[G>T]CAGAGGGCGTGGGCCCTGGCGTGGGCAGCTGAGGGGTCCCTGGAGGAGCTGAGGAGGGAG-3'
Protein context (NP_001036146.1, residues 760-780): QLPTPGPTPS[Ala770Asp]TAVPPQGSPT